The following is an entry in ClinVar:

NM_000133.4(F9):c.1293G>A (p.Trp431Ter)

Gene: F9 (coagulation factor IX; plus strand). Cytogenetic location: Xq27.1.
Variant type: single nucleotide variant.
Coding change: c.1293G>A on transcript NM_000133.4 (MANE Select); coding-DNA position 1293, G replaced by A.
Protein change: p.Trp431Ter; replaces tryptophan 431 with a stop codon.
Molecular consequence: nonsense.
Genome position (GRCh38, 1-based): chrX:139,561,978, G>A. VCF-style: chrX-139561978-G-A. GRCh37 (hg19) VCF-style: chrX-138644137-G-A.
Other names: c.1179G>A, p.Trp393Ter (NM_001313913.2); short protein forms W393*, W431*.
Identifiers: ClinVar variation 2637124 (VCV002637124.2), dbSNP rs1371750567, ClinGen allele CA414447143.
Genomic context (GRCh38, chrX:139,561,978, plus strand): 5'-TGGGGGACCCCATGTTACTGAAGTGGAAGGGACCAGTTTCTTAACTGGAATTATTAGCTG[G>A]GGTGAAGAGTGTGCAATGAAAGGCAAATATGGAATATATACCAAGGTATCCCGGTATGTC-3'

ClinVar aggregate classification (germline): Pathogenic (0 of 4 stars; one submission).

Conditions:
F9-related disorder. Also called: F9-related condition.

Allele frequency attached by ClinVar (database versions not stated): TOPMed 0.00001.

Submission:

PreventionGenetics, part of Exact Sciences
Classification: Pathogenic for F9-related condition. Last evaluated: 2024-05-06. Review status: no assertion criteria provided. Collection method: clinical testing. Allele origin: germline.
Comment: The F9 c.1293G>A variant is predicted to result in premature protein termination (p.Trp431*). This variant (also described as p.Trp385Ter or p.Trp393Ter) has been reported in individuals with hemophilia B (Giannelli et al. 1994. PubMed ID: 7937052; Table S3, Baz et al. 2021. PubMed ID: 34272389). This variant has not been reported in a large population database, indicating this variant is rare. Nonsense variants in F9 are expected to be pathogenic. This variant is interpreted as pathogenic.